The following is an entry in ClinVar:

ClinVar aggregate classification (germline): Uncertain significance. Review status: criteria provided, multiple submitters, no conflicts (2 of 4 stars). 2 submissions from 2 submitters: Uncertain significance (2). Last evaluated 2025-04-17.

Conditions:
Cardiovascular phenotype. Identifiers: MedGen CN230736.

Submissions (2):

GeneDx
Classification: Uncertain significance. Last evaluated: 2025-04-17. Review status: criteria provided, single submitter. Criteria: GeneDx Variant Classification Process June 2021. Collection method: clinical testing. Allele origin: germline. Affected: yes.
Comment: Not observed at significant frequency in large population cohorts (gnomAD); In silico analysis indicates that this missense variant does not alter protein structure/function; Has not been previously published as pathogenic or benign to our knowledge; Variants in candidate genes are classified as variants of uncertain significance in accordance with ACMG guidelines (PMID: 25741868)

Ambry Genetics
Classification: Uncertain significance for Cardiovascular phenotype. Last evaluated: 2023-12-30. Review status: criteria provided, single submitter. Criteria: Ambry Variant Classification Scheme 2023. Collection method: clinical testing. Allele origin: germline.
Comment: The p.E39D variant (also known as c.117G>C), located in coding exon 1 of the BGN gene, results from a G to C substitution at nucleotide position 117. The glutamic acid at codon 39 is replaced by aspartic acid, an amino acid with highly similar properties. This amino acid position is conserved. In addition, this alteration is predicted to be tolerated by in silico analysis. Since supporting evidence is limited at this time, the clinical significance of this alteration remains unclear.

NM_001711.6(BGN):c.117G>C (p.Glu39Asp)

Gene: BGN (biglycan; plus strand). Cytogenetic location: Xq28.
Variant type: single nucleotide variant.
Coding change: c.117G>C on transcript NM_001711.6 (MANE Select); coding-DNA position 117, G replaced by C.
Protein change: p.Glu39Asp; replaces glutamic acid 39 with aspartic acid.
Molecular consequence: missense variant.
Genome position (GRCh38, 1-based): chrX:153,504,748, G>C. VCF-style: chrX-153504748-G-C. GRCh37 (hg19) VCF-style: chrX-152770206-G-C.
Other names: c.117G>C (NM_001711.5); short protein forms E39D.
Identifiers: ClinVar variation 3221766 (VCV003221766.2), dbSNP rs372321114, ClinGen allele CA415067965.